The following is an entry in ClinVar:

ClinVar aggregate classification (germline): Uncertain significance (1 of 4 stars; one submission).

Conditions:
Nemaline myopathy 2 (NEM2). Also called: Nemaline myopathy 2, autosomal recessive. Identifiers: MedGen C1850569, MONDO:0009725, OMIM 256030.

gnomAD v4.1: 5 of 1,600,456 alleles (0.00031%); highest among the groups gnomAD compares: Non-Finnish European, 0.00043%; no homozygotes.

Submission:

Labcorp Genetics (formerly Invitae), Labcorp
Classification: Uncertain significance for Nemaline myopathy 2. Last evaluated: 2022-04-04. Review status: criteria provided, single submitter. Criteria: Invitae Variant Classification Sherloc (09022015). Collection method: clinical testing. Allele origin: germline.
Comment: This sequence change affects codon 8326 of the NEB mRNA. It is a 'silent' change, meaning that it does not change the encoded amino acid sequence of the NEB protein. This variant also falls at the last nucleotide of exon 178, which is part of the consensus splice site for this exon. This variant is present in population databases (no rsID available, gnomAD 0.0009%). This variant has not been reported in the literature in individuals affected with NEB-related conditions. Variants that disrupt the consensus splice site are a relatively common cause of aberrant splicing (PMID: 17576681, 9536098). Algorithms developed to predict the effect of sequence changes on RNA splicing suggest that this variant may disrupt the consensus splice site. In summary, the available evidence is currently insufficient to determine the role of this variant in disease. Therefore, it has been classified as a Variant of Uncertain Significance.

Literature cited by the submitters: PubMed 17576681; PubMed 9536098.

NM_001164508.2(NEB):c.24873G>T (p.Thr8291=)

Genes: NEB (nebulin; minus strand), RIF1 (replication timing regulatory factor 1; plus strand). Cytogenetic location: 2q23.3.
Variant type: single nucleotide variant.
Coding change: c.24873G>T on transcript NM_001164508.2 (MANE Select); coding-DNA position 24873, G replaced by T.
Protein change: p.Thr8291=; no amino-acid change (threonine 8291 retained).
Molecular consequence: synonymous variant.
Genome position (GRCh38, 1-based): chr2:151,492,387, C>A on the plus strand (G>T on the coding strand, the complement: NEB is on the minus strand). VCF-style: chr2-151492387-C-A. GRCh37 (hg19) VCF-style: chr2-152348901-C-A.
Other names: c.24873G>T, p.Thr8291= (NM_001164507.2); c.24978G>T, p.Thr8326= (NM_001271208.2); c.19305G>T, p.Thr6435= (NM_004543.5).
Identifiers: ClinVar variation 2148751 (VCV002148751.1), dbSNP rs779321695, ClinGen allele CA429450532.